The following is an entry in ClinVar:

ClinVar aggregate classification (germline): Uncertain significance (1 of 4 stars; one submission).

Submission:

Labcorp Genetics (formerly Invitae), Labcorp
Classification: Uncertain significance. Last evaluated: 2022-05-12. Review status: criteria provided, single submitter. Criteria: Invitae Variant Classification Sherloc (09022015). Collection method: clinical testing. Allele origin: germline.
Comment: This variant, c.281_286dup, results in the insertion of 2 amino acid(s) of the P3H2 protein (p.Leu94_Pro95dup), but otherwise preserves the integrity of the reading frame. This variant is present in population databases (rs759495546, gnomAD 0.006%). This variant has not been reported in the literature in individuals affected with P3H2-related conditions. Experimental studies and prediction algorithms are not available or were not evaluated, and the functional significance of this variant is currently unknown. In summary, the available evidence is currently insufficient to determine the role of this variant in disease. Therefore, it has been classified as a Variant of Uncertain Significance.

NM_018192.4(P3H2):c.281_286dup (p.Leu94_Pro95dup)

Genes: P3H2 (prolyl 3-hydroxylase 2; minus strand), LOC129938149 (ATAC-STARR-seq lymphoblastoid silent region 14999; plus strand). Cytogenetic location: 3q28.
Variant type: Duplication.
Coding change: c.281_286dup on transcript NM_018192.4 (MANE Select); coding-DNA positions 281 to 286, 6 bases duplicated (TCCCGC; older notation c.281_286dupTCCCGC).
Protein change: p.Leu94_Pro95dup.
Molecular consequence: inframe insertion. On other transcripts: intron variant (1).
Genome position (GRCh38, 1-based): chr3:190,120,446-190,120,451, GCGGGA duplicated on the plus strand (TCCCGC on the coding strand, the reverse complement: P3H2 is on the minus strand); duplicating any 6 consecutive bases within chr3:190,120,446-190,120,456 gives the same sequence; the c. name uses the placement nearest the transcript's 3' end. VCF-style (leftmost placement, unchanged base first): chr3-190120445-G-GGCGGGA. GRCh37 (hg19) VCF-style: chr3-189838234-G-GGCGGGA.
Other names: c.-64+1752_-64+1757dup (NM_001134418.2).
Identifiers: ClinVar variation 1478015 (VCV001478015.5), dbSNP rs759495546, ClinGen allele CA2753400.